The following is an entry in ClinVar:

ClinVar aggregate classification (germline): Uncertain significance. Review status: criteria provided, single submitter (1 of 4 stars). 2 submissions from 2 submitters: Uncertain significance (1). 1 of the submissions does not count toward it. Last evaluated 2025-07-05.

Conditions:
Heterotaxy, visceral, 10, autosomal, with male infertility. Identifiers: MedGen C5562072, MONDO:0030474, OMIM 619607.

Allele frequency attached by ClinVar (database versions not stated): 1000 Genomes Project 30x 0.00016; 1000 Genomes Project 0.00020; TOPMed 0.00003; gnomAD 0.00003 and 0.00002; gnomAD exomes 0.00002; ExAC 0.00003; ESP Exome Variant Server 0.00015.
gnomAD v4.1: 20 of 1,612,292 alleles (0.0012%); highest among the groups gnomAD compares: African/African-American, 0.0027%; no homozygotes.

Submissions (2):

GeneDx
Classification: Uncertain significance. Last evaluated: 2025-07-05. Review status: criteria provided, single submitter. Criteria: GeneDx Variant Classification Process June 2021. Collection method: clinical testing. Allele origin: germline.
Comment: In silico analysis supports that this missense variant has a deleterious effect on protein structure/function; This variant is associated with the following publications: (PMID: 33139725, 35775617)

OMIM
Classification: Pathogenic for HETEROTAXY, VISCERAL, 10, AUTOSOMAL. Last evaluated: 2021-11-05. Review status: no assertion criteria provided. Collection method: literature only. Allele origin: germline. Not counted in ClinVar's aggregate classification.

Literature cited by the submitters: PubMed 33139725 (cited by OMIM).

NM_145054.5(CFAP52):c.811G>A (p.Gly271Arg)

Gene: CFAP52 (cilia and flagella associated protein 52; plus strand). Cytogenetic location: 17p13.1.
Variant type: single nucleotide variant.
Coding change: c.811G>A on transcript NM_145054.5 (MANE Select); coding-DNA position 811, G replaced by A.
Protein change: p.Gly271Arg; replaces glycine 271 with arginine.
Molecular consequence: missense variant.
Genome position (GRCh38, 1-based): chr17:9,608,176, G>A. VCF-style: chr17-9608176-G-A. GRCh37 (hg19) VCF-style: chr17-9511493-G-A.
Other names: CFAP52, GLY271ARG (rs140921334); c.607G>A, p.Gly203Arg (NM_001080556.2); c.607G>A (NM_001080556.1); short protein forms G271R, G203R.
Identifiers: ClinVar variation 1319993 (VCV001319993.3), dbSNP rs140921334, ClinGen allele CA8382029.